The following is an entry in ClinVar:

NM_001023.4(RPS20):c.3+8G>A

Gene: RPS20 (ribosomal protein S20; minus strand). Cytogenetic location: 8q12.1.
Variant type: single nucleotide variant.
Coding change: c.3+8G>A on transcript NM_001023.4 (MANE Select); 8 bases into the intron after coding-DNA position 3, G replaced by A.
Molecular consequence: intron variant.
Genome position (GRCh38, 1-based): chr8:56,074,373, C>T on the plus strand (G>A on the coding strand, the complement: RPS20 is on the minus strand). VCF-style: chr8-56074373-C-T. GRCh37 (hg19) VCF-style: chr8-56986932-C-T.
Other names: c.3+8G>A (NM_001146227.3).
Identifiers: ClinVar variation 5042099 (VCV005042099.1).

ClinVar aggregate classification (germline): Likely benign (1 of 4 stars; one submission).

Conditions:
Familial colorectal cancer type X. Identifiers: Orphanet 440437, MedGen C3896578, MONDO:0018604.

gnomAD v4.1: 1 of 1,558,088 alleles (0.000064%); highest among the groups gnomAD compares: Admixed American, 0.0018%; no homozygotes.

Submission:

Myriad Genetics, Inc.
Classification: Likely benign for Familial colorectal cancer type X. Last evaluated: 2026-07-31. Review status: criteria provided, single submitter. Criteria: Myriad Autosomal Dominant, Autosomal Recessive and X-Linked Classification Criteria (2023). Collection method: clinical testing. Allele origin: unknown.
Comment: This variant is considered likely benign. This variant is intronic and is not expected to impact mRNA splicing.